The following is an entry in ClinVar:

ClinVar aggregate classification (germline): Pathogenic (1 of 4 stars; one submission).

Conditions:
Methylcobalamin deficiency type cblE (HMAE). Also called: HOMOCYSTINURIA-MEGALOBLASTIC ANEMIA, cblE COMPLEMENTATION TYPE; VITAMIN B12-RESPONSIVE HOMOCYSTINURIA, cblE TYPE; HOMOCYSTINURIA-MEGALOBLASTIC ANEMIA, cblE TYPE. Identifiers: Orphanet 2169, Orphanet 622, MedGen C1856057, MONDO:0009354, OMIM 236270.

Submission:

Labcorp Genetics (formerly Invitae), Labcorp
Classification: Pathogenic for Methylcobalamin deficiency type cblE. Last evaluated: 2025-03-27. Review status: criteria provided, single submitter. Criteria: Invitae Variant Classification Sherloc (09022015). Collection method: clinical testing. Allele origin: germline.
Comment: This sequence change creates a premature translational stop signal (p.Asp419Metfs*123) in the MTRR gene. It is expected to result in an absent or disrupted protein product. Loss-of-function variants in MTRR are known to be pathogenic (PMID: 15714522). This variant is not present in population databases (gnomAD no frequency). This variant has not been reported in the literature in individuals affected with MTRR-related conditions. For these reasons, this variant has been classified as Pathogenic.

Literature cited by the submitters: PubMed 15714522.

NM_002454.3(MTRR):c.1254del (p.Asp419fs)

Gene: MTRR (5-methyltetrahydrofolate-homocysteine methyltransferase reductase; plus strand). Cytogenetic location: 5p15.31.
Variant type: Deletion.
Coding change: c.1254del on transcript NM_002454.3 (MANE Select); coding-DNA position 1254, one base deleted (A; older notation c.1254delA).
Protein change: p.Asp419fs; shifts the reading frame from aspartic acid 419.
Molecular consequence: frameshift variant. On other transcripts: non-coding transcript variant (14).
Genome position (GRCh38, 1-based): chr5:7,889,202, A deleted. VCF-style (leftmost placement, unchanged base first): chr5-7889201-GA-G. GRCh37 (hg19) VCF-style: chr5-7889314-GA-G.
Other names: c.1254del, p.Asp419fs (NM_001364440.2, NM_001364441.2, NM_001364442.2 and 1 more transcripts); short protein forms D419fs.
Identifiers: ClinVar variation 4716083 (VCV004716083.1).